The following is an entry in ClinVar:

NM_206933.4(USH2A):c.13539C>T (p.Asn4513=)

Gene: USH2A (usherin; minus strand). Cytogenetic location: 1q41.
Variant type: single nucleotide variant.
Coding change: c.13539C>T on transcript NM_206933.4 (MANE Select); coding-DNA position 13539, C replaced by T.
Protein change: p.Asn4513=; no amino-acid change (asparagine 4513 retained).
Molecular consequence: synonymous variant.
Genome position (GRCh38, 1-based): chr1:215,674,372, G>A on the plus strand (C>T on the coding strand, the complement: USH2A is on the minus strand). VCF-style: chr1-215674372-G-A. GRCh37 (hg19) VCF-style: chr1-215847714-G-A.
Other names: c.13539C>T (NM_206933.2).
Identifiers: ClinVar variation 1606969 (VCV001606969.9), dbSNP rs761673100, ClinGen allele CA1393272.

ClinVar aggregate classification (germline): Likely benign. Review status: criteria provided, single submitter (1 of 4 stars). 2 submissions from 2 submitters: Likely benign (1). 1 of the submissions does not count toward it. Last evaluated 2023-05-30.

Conditions:
USH2A-related disorder. Also called: USH2A-related condition; USH2A-related disorders. Identifiers: MedGen CN239332.

Allele frequency attached by ClinVar (database versions not stated): gnomAD exomes below 0.00001 and 0.00001; ExAC 0.00001; gnomAD 0.00002; TOPMed 0.00002.
gnomAD v4.1: 16 of 1,613,978 alleles (0.00099%); highest among the groups gnomAD compares: Admixed American, 0.0017%; no homozygotes.

Submissions (2):

Labcorp Genetics (formerly Invitae), Labcorp
Classification: Likely benign. Last evaluated: 2023-05-30. Review status: criteria provided, single submitter. Criteria: Invitae Variant Classification Sherloc (09022015). Collection method: clinical testing. Allele origin: germline.

PreventionGenetics, part of Exact Sciences
Classification: Likely benign for USH2A-related condition. Last evaluated: 2024-08-29. Review status: no assertion criteria provided. Collection method: clinical testing. Allele origin: germline. Not counted in ClinVar's aggregate classification.
Comment: This variant is classified as likely benign based on ACMG/AMP sequence variant interpretation guidelines (Richards et al. 2015 PMID: 25741868, with internal and published modifications).